The following is an entry in ClinVar:

ClinVar aggregate classification (germline): Uncertain significance (1 of 4 stars; one submission).

Conditions:
Duchenne muscular dystrophy (DMD). Also called: MUSCULAR DYSTROPHY, PSEUDOHYPERTROPHIC PROGRESSIVE, DUCHENNE TYPE; Duchenne Muscular Dystrophy (DMD). Identifiers: Orphanet 98896, MedGen C0013264, MONDO:0010679, OMIM 310200.

gnomAD v4.1: 3 of 1,208,667 alleles (0.00025%); highest among the groups gnomAD compares: East Asian, 0.0089%; no homozygotes.

Submission:

Labcorp Genetics (formerly Invitae), Labcorp
Classification: Uncertain significance for Duchenne muscular dystrophy. Last evaluated: 2024-05-29. Review status: criteria provided, single submitter. Criteria: Invitae Variant Classification Sherloc (09022015). Collection method: clinical testing. Allele origin: germline.
Comment: This sequence change replaces lysine, which is basic and polar, with glutamic acid, which is acidic and polar, at codon 2619 of the DMD protein (p.Lys2619Glu). This variant is not present in population databases (gnomAD no frequency). This variant has not been reported in the literature in individuals affected with DMD-related conditions. Advanced modeling of protein sequence and biophysical properties (such as structural, functional, and spatial information, amino acid conservation, physicochemical variation, residue mobility, and thermodynamic stability) performed at Invitae indicates that this missense variant is not expected to disrupt DMD protein function with a negative predictive value of 95%. In summary, the available evidence is currently insufficient to determine the role of this variant in disease. Therefore, it has been classified as a Variant of Uncertain Significance.

NM_004006.3(DMD):c.7855A>G (p.Lys2619Glu)

Gene: DMD (dystrophin; minus strand). Cytogenetic location: Xp21.1.
Variant type: single nucleotide variant.
Coding change: c.7855A>G on transcript NM_004006.3 (MANE Select); coding-DNA position 7855, A replaced by G.
Protein change: p.Lys2619Glu; replaces lysine 2619 with glutamic acid.
Molecular consequence: missense variant.
Genome position (GRCh38, 1-based): chrX:31,679,392, T>C on the plus strand (A>G on the coding strand, the complement: DMD is on the minus strand). VCF-style: chrX-31679392-T-C. GRCh37 (hg19) VCF-style: chrX-31697509-T-C.
Other names: c.7831A>G, p.Lys2611Glu (NM_000109.4); c.7843A>G, p.Lys2615Glu (NM_004009.3); c.7486A>G, p.Lys2496Glu (NM_004010.3); c.3832A>G, p.Lys1278Glu (NM_004011.4); c.3823A>G, p.Lys1275Glu (NM_004012.4); c.475A>G, p.Lys159Glu (NM_004013.3, NM_004020.4, NM_004021.3 and 2 more transcripts); short protein forms K159E, K1275E, K2611E, K2615E, K2619E, K1278E, K2496E.
Identifiers: ClinVar variation 3668865 (VCV003668865.2).